The following is an entry in ClinVar:

NM_017636.4(TRPM4):c.3450C>T (p.Arg1150=)

Gene: TRPM4 (transient receptor potential cation channel subfamily M member 4; plus strand). Cytogenetic location: 19q13.33.
Variant type: single nucleotide variant.
Coding change: c.3450C>T on transcript NM_017636.4 (MANE Select); coding-DNA position 3450, C replaced by T.
Protein change: p.Arg1150=; no amino-acid change (arginine 1150 retained).
Molecular consequence: synonymous variant.
Genome position (GRCh38, 1-based): chr19:49,210,831, C>T. VCF-style: chr19-49210831-C-T. GRCh37 (hg19) VCF-style: chr19-49714088-C-T.
Other names: c.3015C>T, p.Arg1005= (NM_001195227.2); c.3105C>T, p.Arg1035= (NM_001321281.2); c.1842C>T, p.Arg614= (NM_001321282.2); c.2928C>T, p.Arg976= (NM_001321283.2); c.2388C>T, p.Arg796= (NM_001321285.2).
Identifiers: ClinVar variation 391890 (VCV000391890.16), dbSNP rs763372824, ClinGen allele CA9569908.

ClinVar aggregate classification (germline): Conflicting classifications of pathogenicity. Review status: criteria provided, conflicting classifications (1 of 4 stars). 5 submissions from 5 submitters: Uncertain significance (2); Likely benign (2). 1 of the submissions does not count toward it. Last evaluated 2025-09-10.

Conditions:
Progressive familial heart block type IB (PFHB1B). Identifiers: Orphanet 871, MedGen C1970298, MONDO:0011474, OMIM 604559.
TRPM4-related disorder. Also called: TRPM4-related disorders; TRPM4-related condition. Identifiers: MedGen CN239424.
Cardiovascular phenotype. Identifiers: MedGen CN230736.

Allele frequency attached by ClinVar (database versions not stated): gnomAD 0.00003; gnomAD exomes 0.00003 and 0.00007; ExAC 0.00004; TOPMed 0.00004.
gnomAD v4.1: 102 of 1,611,552 alleles (0.0063%); highest among the groups gnomAD compares: Non-Finnish European, 0.0083%; no homozygotes.

Submissions (5):

Labcorp Genetics (formerly Invitae), Labcorp
Classification: Uncertain significance for Progressive familial heart block type IB. Last evaluated: 2025-09-10. Review status: criteria provided, single submitter. Criteria: Invitae Variant Classification Sherloc (09022015). Collection method: clinical testing. Allele origin: germline.
Comment: This sequence change affects codon 1150 of the TRPM4 mRNA. It is a 'silent' change, meaning that it does not change the encoded amino acid sequence of the TRPM4 protein. This variant is present in population databases (rs763372824, gnomAD 0.007%). This variant has not been reported in the literature in individuals affected with TRPM4-related conditions. ClinVar contains an entry for this variant (Variation ID: 391890). Algorithms developed to predict the effect of sequence changes on RNA splicing suggest that this variant may disrupt the consensus splice site. In summary, the available evidence is currently insufficient to determine the role of this variant in disease. Therefore, it has been classified as a Variant of Uncertain Significance.

Blueprint Genetics
Classification: Likely benign. Last evaluated: 2024-05-27. Review status: criteria provided, single submitter. Criteria: ACMG Guidelines, 2015. Collection method: clinical testing. Allele origin: germline.

GeneDx
Classification: Uncertain significance. Last evaluated: 2017-12-12. Review status: criteria provided, single submitter. Criteria: GeneDx Variant Classification (06012015). Collection method: clinical testing. Allele origin: germline. Affected: yes.
Comment: A variant of uncertain significance has been identified in the TRPM4 gene. The R1150R (c.3450 C>T) variant hasnot been published as a pathogenic variant, nor has it been reported as a benign variant to our knowledge. It was notobserved in approximately 6,500 individuals of European and African American ancestry in the NHLBI ExomeSequencing Project, indicating it is not a common benign variant in these populations. Although R1150R (c.3450C>T) is a synonymous substitution that occurs at a nucleotide position that is not conserved across species, thymine(T) is not wild type in any species. Additionally, at least two in silico models predict R1150R (c.3450 C>T) createsa strong cryptic donor site upstream of the natural donor site for intron 22, which may cause abnormal gene splicing.However, in the absence of functional mRNA studies, the physiological consequences of this variant cannot beprecisely determined. Furthermore, no other splice site variants have been reported in the Human Gene MutationDatabase in association with arrhythmia (Stenson et al., 2014).Therefore, based on the currently available information, it is unclear whether this variant is pathogenic or rare benign.This result cannot be interpreted for diagnosis or used for family member screening at this time.

Ambry Genetics
Classification: Likely benign for Cardiovascular phenotype. Last evaluated: 2016-09-20. Review status: criteria provided, single submitter. Criteria: Ambry Variant Classification Scheme 2023. Collection method: clinical testing. Allele origin: germline.

PreventionGenetics, part of Exact Sciences
Classification: Uncertain significance for TRPM4-related condition. Last evaluated: 2024-09-09. Review status: no assertion criteria provided. Collection method: clinical testing. Allele origin: germline. Not counted in ClinVar's aggregate classification.
Comment: The TRPM4 c.3450C>T variant is not predicted to result in an amino acid change (p.=). This variant is predicted to alter splicing based on available splicing prediction programs (SpliceAI, Jaganathan et al. 2019. PubMed ID: 30661751). However, the use of computer prediction programs is not equivalent to functional evidence. To our knowledge, this variant has not been reported in the literature. This variant is reported in 0.0073% of alleles in individuals of European (Non-Finnish) descent in gnomAD. At this time, the clinical significance of this variant is uncertain due to the absence of conclusive functional and genetic evidence.